The following is an entry in ClinVar:

ClinVar aggregate classification (germline): Uncertain significance (1 of 4 stars; one submission).

Allele frequency attached by ClinVar (database versions not stated): gnomAD exomes below 0.00001; TOPMed below 0.00001; gnomAD 0.00001.

Submission:

Labcorp Genetics (formerly Invitae), Labcorp
Classification: Uncertain significance. Last evaluated: 2022-02-25. Review status: criteria provided, single submitter. Criteria: Invitae Variant Classification Sherloc (09022015). Collection method: clinical testing. Allele origin: germline.
Comment: In summary, the available evidence is currently insufficient to determine the role of this variant in disease. Therefore, it has been classified as a Variant of Uncertain Significance. Algorithms developed to predict the effect of missense changes on protein structure and function output the following: SIFT: "Tolerated"; PolyPhen-2: "Benign"; Align-GVGD: "Class C0". The leucine amino acid residue is found in multiple mammalian species, which suggests that this missense change does not adversely affect protein function. This variant has not been reported in the literature in individuals affected with NLRP1-related conditions. The frequency data for this variant in the population databases is considered unreliable, as metrics indicate poor data quality at this position in the gnomAD database. This sequence change replaces proline, which is neutral and non-polar, with leucine, which is neutral and non-polar, at codon 42 of the NLRP1 protein (p.Pro42Leu).

NM_033004.4(NLRP1):c.125C>T (p.Pro42Leu)

Gene: NLRP1 (NLR family pyrin domain containing 1; minus strand). Cytogenetic location: 17p13.2.
Variant type: single nucleotide variant.
Coding change: c.125C>T on transcript NM_033004.4 (MANE Select); coding-DNA position 125, C replaced by T.
Protein change: p.Pro42Leu; replaces proline 42 with leucine.
Molecular consequence: missense variant.
Genome position (GRCh38, 1-based): chr17:5,583,833, G>A on the plus strand (C>T on the coding strand, the complement: NLRP1 is on the minus strand). VCF-style: chr17-5583833-G-A. GRCh37 (hg19) VCF-style: chr17-5487153-G-A.
Other names: c.125C>T, p.Pro42Leu (NM_001033053.3, NM_014922.5, NM_033006.4 and 1 more transcripts); short protein forms P42L.
Identifiers: ClinVar variation 2146993 (VCV002146993.4), dbSNP rs1430167977, ClinGen allele CA397391140.
Genomic context (GRCh38, chr17:5,583,833, plus strand): 5'-CCATACTGAGCCACCAGGTACGAGGCCACCTCCATGCCACTCGTCTTCTCTGGCTGAGCG[G>A]GTGTCTCACCCGAAGAGCTCCTGGAGTGCGCTTTATTGGCGAGCAGAAGCTGGAACTCCT-3'
Protein context (NP_127497.1, residues 32-52): AHSRSSSGET[Pro42Leu]AQPEKTSGME